The following is an entry in ClinVar:

ClinVar aggregate classification (germline): Likely benign. Review status: criteria provided, multiple submitters, no conflicts (2 of 4 stars). 2 submissions from 2 submitters: Likely benign (2). Last evaluated 2024-11-19.

Allele frequency attached by ClinVar (database versions not stated): ExAC 0.00002; gnomAD 0.00003; TOPMed 0.00003.
gnomAD v4.1: 62 of 1,613,246 alleles (0.0038%); highest among the groups gnomAD compares: Non-Finnish European, 0.0047%; no homozygotes.

Submissions (2):

Blueprint Genetics
Classification: Likely benign. Last evaluated: 2024-11-19. Review status: criteria provided, single submitter. Criteria: ACMG Guidelines, 2015. Collection method: clinical testing. Allele origin: germline.

CeGaT Center for Human Genetics Tuebingen
Classification: Likely benign. Last evaluated: 2022-11-01. Review status: criteria provided, single submitter. Criteria: CeGaT Center For Human Genetics Tuebingen Variant Classification Criteria Version 2. Collection method: clinical testing. Allele origin: germline. Affected: yes. Observed: 1 variant allele.
Comment: CELSR1: BP4, BP7

NM_001378328.1(CELSR1):c.4488C>T (p.Ile1496=)

Gene: CELSR1 (cadherin EGF LAG seven-pass G-type receptor 1; minus strand). Cytogenetic location: 22q13.31.
Variant type: single nucleotide variant.
Coding change: c.4488C>T on transcript NM_001378328.1 (MANE Select); coding-DNA position 4488, C replaced by T.
Protein change: p.Ile1496=; no amino-acid change (isoleucine 1496 retained).
Molecular consequence: synonymous variant.
Genome position (GRCh38, 1-based): chr22:46,436,208, G>A on the plus strand (C>T on the coding strand, the complement: CELSR1 is on the minus strand). VCF-style: chr22-46436208-G-A. GRCh37 (hg19) VCF-style: chr22-46832105-G-A.
Other names: c.4488C>T, p.Ile1496= (NM_014246.4).
Identifiers: ClinVar variation 2653333 (VCV002653333.25), dbSNP rs769029491, ClinGen allele CA10294642.
Genomic context (GRCh38, chr22:46,436,208, plus strand): 5'-TGCCCTTCCTGGGGAGAAGGCCCCACCTGCAGAGAAGGTGAGCTGCACCTGCTCGTCCAC[G>A]ATCTCCAGGGCGATGAAGTCGTGCTTCTCATTGAAGCGGCCGTTGTAGAGAAGCAAGCCG-3'
Protein context (NP_001365257.1, residues 1486-1506): NEKHDFIALE[Ile1496=]VDEQVQLTFS